The following is an entry in ClinVar:

NM_000426.4(LAMA2):c.8541del (p.Trp2847fs)

Gene: LAMA2 (laminin subunit alpha 2; plus strand). Cytogenetic location: 6q22.33.
Variant type: Deletion.
Coding change: c.8541del on transcript NM_000426.4 (MANE Select); coding-DNA position 8541, one base deleted (G; older notation c.8541delG).
Protein change: p.Trp2847fs; shifts the reading frame from tryptophan 2847.
Molecular consequence: frameshift variant.
Genome position (GRCh38, 1-based): chr6:129,503,274, G deleted; the last of 2 consecutive G bases (chr6:129,503,273-129,503,274); deleting either gives the same sequence. VCF-style (leftmost placement, unchanged base first): chr6-129503272-TG-T. GRCh37 (hg19) VCF-style: chr6-129824417-TG-T.
Other names: c.8529del, p.Trp2843fs (NM_001079823.2); short protein forms W2843fs, W2847fs.
Identifiers: ClinVar variation 1069113 (VCV001069113.7), dbSNP rs2114891707, ClinGen allele CA2499218100.

ClinVar aggregate classification (germline): Pathogenic (1 of 4 stars; one submission).

Conditions:
LAMA2-related muscular dystrophy (LAMA2-RD). Also called: Laminin alpha 2-related dystrophy. Identifiers: MedGen C5679788, MONDO:0100228.

Submission:

Labcorp Genetics (formerly Invitae), Labcorp
Classification: Pathogenic for LAMA2-related muscular dystrophy. Last evaluated: 2023-04-16. Review status: criteria provided, single submitter. Criteria: Invitae Variant Classification Sherloc (09022015). Collection method: clinical testing. Allele origin: germline.
Comment: For these reasons, this variant has been classified as Pathogenic. ClinVar contains an entry for this variant (Variation ID: 1069113). This variant has not been reported in the literature in individuals affected with LAMA2-related conditions. This variant is not present in population databases (gnomAD no frequency). This sequence change creates a premature translational stop signal (p.Trp2847Cysfs*6) in the LAMA2 gene. It is expected to result in an absent or disrupted protein product. Loss-of-function variants in LAMA2 are known to be pathogenic (PMID: 18700894, 32904964).

Literature cited by the submitters: PubMed 18700894; PubMed 32904964.